The following is an entry in ClinVar:

NM_032977.4(CASP10):c.*1793C>A

Gene: CASP10 (caspase 10; plus strand). Cytogenetic location: 2q33.1.
Variant type: single nucleotide variant.
Coding change: c.*1793C>A on transcript NM_032977.4 (MANE Select); 1793 bases downstream of the stop codon, C replaced by A.
Molecular consequence: 3 prime UTR variant. On other transcripts: intron variant (2).
Genome position (GRCh38, 1-based): chr2:201,219,534, C>A. VCF-style: chr2-201219534-C-A. GRCh37 (hg19) VCF-style: chr2-202084257-C-A.
Other names: c.*1793C>A (NM_001206524.2, NM_001230.5); c.*2448C>A (NM_032976.4); c.1416-9399C>A (NM_032974.5); c.1287-9399C>A (NM_001206542.2).
Identifiers: ClinVar variation 333467 (VCV000333467.5), dbSNP rs114760847, ClinGen allele CA10611989.

ClinVar aggregate classification (germline): Benign (1 of 4 stars; one submission).

Conditions:
Autoimmune lymphoproliferative syndrome type 2A (ALPS2A). Also called: CASP10-Related Autoimmune Lymphoproliferative Syndrome; AUTOIMMUNE LYMPHOPROLIFERATIVE SYNDROME, TYPE IIA; Autoimmune lymphoproliferative syndrome type 2. Identifiers: Orphanet 3261, MedGen C1858968, MONDO:0011383, OMIM 603909.

Allele frequency attached by ClinVar (database versions not stated): gnomAD 0.00240 and 0.00258; TOPMed 0.00254; 1000 Genomes Project 30x 0.00265; 1000 Genomes Project 0.00300.
gnomAD v4.1: 700 of 985,380 alleles (0.071%); highest among the groups gnomAD compares: African/African-American, 0.88%; 3 homozygotes.

Submission:

Illumina Laboratory Services, Illumina
Classification: Benign for Autoimmune lymphoproliferative syndrome type 2A. Last evaluated: 2018-01-12. Review status: criteria provided, single submitter. Criteria: ICSL Variant Classification Criteria 13 December 2019. Collection method: clinical testing. Allele origin: germline.
Comment: This variant was observed in the ICSL laboratory as part of a predisposition screen in an ostensibly healthy population. It had not been previously curated by ICSL or reported in the Human Gene Mutation Database (HGMD: prior to June 1st, 2018), and was therefore a candidate for classification through an automated scoring system. Utilizing variant allele frequency, disease prevalence and penetrance estimates, and inheritance mode, an automated score was calculated to assess if this variant is too frequent to cause the disease. Based on the score and internal cut-off values, a variant classified as benign is not then subjected to further curation. The score for this variant resulted in a classification of benign for this disease.